The following is an entry in ClinVar:

NM_001326342.2(CELF2):c.842G>T (p.Gly281Val)

Gene: CELF2 (CUGBP Elav-like family member 2; plus strand). Cytogenetic location: 10p14.
Variant type: single nucleotide variant.
Coding change: c.842G>T on transcript NM_001326342.2 (MANE Select); coding-DNA position 842, G replaced by T.
Protein change: p.Gly281Val; replaces glycine 281 with valine.
Molecular consequence: missense variant.
Genome position (GRCh38, 1-based): chr10:11,288,418, G>T. VCF-style: chr10-11288418-G-T. GRCh37 (hg19) VCF-style: chr10-11330381-G-T.
Other names: c.749G>T, p.Gly250Val (NM_001025076.2, NM_001083591.1, NM_001326317.2 and 15 more transcripts); c.821G>T, p.Gly274Val (NM_001025077.3, NM_001326331.2, NM_001326332.2 and 4 more transcripts); c.914G>T, p.Gly305Val (NM_001326325.2); c.857G>T, p.Gly286Val (NM_001326326.2, NM_001326327.2); c.137G>T, p.Gly46Val (NM_001326333.2, NM_001326346.2); c.488G>T, p.Gly163Val (NM_001326338.2, NM_001326339.2); c.842G>T, p.Gly281Val (NM_001326340.2, NM_001326341.2, NM_001326343.2 and 4 more transcripts); c.773G>T, p.Gly258Val (NM_001326347.1); short protein forms G163V, G250V, G258V, G274V, G281V, G286V, G305V, G46V.
Identifiers: ClinVar variation 2442550 (VCV002442550.1), dbSNP rs2549299383, ClinGen allele CA375974626.

ClinVar aggregate classification (germline): Uncertain significance (1 of 4 stars; one submission).

Submission:

GeneDx
Classification: Uncertain significance. Last evaluated: 2022-09-06. Review status: criteria provided, single submitter. Criteria: GeneDx Variant Classification Process June 2021. Collection method: clinical testing. Allele origin: germline. Affected: yes.
Comment: Not observed at significant frequency in large population cohorts (gnomAD); In silico analysis supports that this missense variant does not alter protein structure/function; Has not been previously published as pathogenic or benign to our knowledge